The following is an entry in ClinVar:

ClinVar aggregate classification (germline): Benign/Likely benign. Review status: criteria provided, multiple submitters, no conflicts (2 of 4 stars). 3 submissions from 3 submitters: Benign (1); Likely benign (2). Last evaluated 2025-12-23.

Conditions:
Tuberous sclerosis 2 (TSC2). Identifiers: Orphanet 805, MedGen C1860707, MONDO:0013199, OMIM 613254.
Hereditary cancer-predisposing syndrome. Also called: Hereditary neoplastic syndrome; Neoplastic Syndromes, Hereditary; Tumor predisposition; Hereditary Cancer Syndrome. Identifiers: Orphanet 140162, MedGen C0027672, MeSH D009386, MONDO:0015356.

Allele frequency attached by ClinVar (database versions not stated): ExAC 0.00001.
gnomAD v4.1: 1 of 1,614,208 alleles (0.000062%); highest among the groups gnomAD compares: Admixed American, 0.0017%; no homozygotes.

Submissions (3):

Labcorp Genetics (formerly Invitae), Labcorp
Classification: Likely benign for Tuberous sclerosis 2. Last evaluated: 2025-12-23. Review status: criteria provided, single submitter. Criteria: Invitae Variant Classification Sherloc (09022015). Collection method: clinical testing. Allele origin: germline.

Myriad Genetics, Inc.
Classification: Benign for Tuberous sclerosis 2. Last evaluated: 2025-05-13. Review status: criteria provided, single submitter. Criteria: Myriad Autosomal Dominant, Autosomal Recessive and X-Linked Classification Criteria (2023). Collection method: clinical testing. Allele origin: unknown.
Comment: This variant is considered benign. This variant is a silent/synonymous amino acid change and it is not expected to impact splicing.

Ambry Genetics
Classification: Likely benign for Hereditary cancer-predisposing syndrome. Last evaluated: 2022-01-04. Review status: criteria provided, single submitter. Criteria: Ambry Variant Classification Scheme 2023. Collection method: clinical testing. Allele origin: germline.

NM_000548.5(TSC2):c.1161G>C (p.Leu387=)

Gene: TSC2 (TSC complex subunit 2; plus strand). Cytogenetic location: 16p13.3.
Variant type: single nucleotide variant.
Coding change: c.1161G>C on transcript NM_000548.5 (MANE Select); coding-DNA position 1161, G replaced by C.
Protein change: p.Leu387=; no amino-acid change (leucine 387 retained).
Molecular consequence: synonymous variant.
Genome position (GRCh38, 1-based): chr16:2,061,912, G>C. VCF-style: chr16-2061912-G-C. GRCh37 (hg19) VCF-style: chr16-2111913-G-C.
Other names: c.1161G>C, p.Leu387= (NM_001077183.3, NM_001114382.3, NM_001363528.2 and 3 more transcripts); c.1050G>C, p.Leu350= (NM_001318827.2); c.1014G>C, p.Leu338= (NM_001318829.2); c.561G>C, p.Leu187= (NM_001318831.2); c.1194G>C, p.Leu398= (NM_001318832.2).
Identifiers: ClinVar variation 739923 (VCV000739923.14), dbSNP rs781336082, ClinGen allele CA028668.